The following is an entry in ClinVar:

ClinVar aggregate classification (germline): Uncertain significance (1 of 4 stars; one submission).

gnomAD v4.1: 2 of 1,613,818 alleles (0.00012%); highest among the groups gnomAD compares: Non-Finnish European, 0.00017%; no homozygotes.

Submission:

Labcorp Genetics (formerly Invitae), Labcorp
Classification: Uncertain significance. Last evaluated: 2021-12-14. Review status: criteria provided, single submitter. Criteria: Invitae Variant Classification Sherloc (09022015). Collection method: clinical testing. Allele origin: germline.
Comment: Algorithms developed to predict the effect of missense changes on protein structure and function are either unavailable or do not agree on the potential impact of this missense change (SIFT: "Tolerated"; PolyPhen-2: "Possibly Damaging"; Align-GVGD: "Class C0"). In summary, the available evidence is currently insufficient to determine the role of this variant in disease. Therefore, it has been classified as a Variant of Uncertain Significance. This variant has not been reported in the literature in individuals affected with HMCN1-related conditions. This variant is not present in population databases (gnomAD no frequency). This sequence change replaces serine, which is neutral and polar, with cysteine, which is neutral and slightly polar, at codon 452 of the HMCN1 protein (p.Ser452Cys).

NM_031935.3(HMCN1):c.1355C>G (p.Ser452Cys)

Gene: HMCN1 (hemicentin 1; plus strand). Cytogenetic location: 1q31.1.
Variant type: single nucleotide variant.
Coding change: c.1355C>G on transcript NM_031935.3 (MANE Select); coding-DNA position 1355, C replaced by G.
Protein change: p.Ser452Cys; replaces serine 452 with cysteine.
Molecular consequence: missense variant.
Genome position (GRCh38, 1-based): chr1:185,925,116, C>G. VCF-style: chr1-185925116-C-G. GRCh37 (hg19) VCF-style: chr1-185894248-C-G.
Other names: short protein forms S452C.
Identifiers: ClinVar variation 2042925 (VCV002042925.4), dbSNP rs373157669, ClinGen allele CA343895210.
Genomic context (GRCh38, chr1:185,925,116, plus strand): 5'-AAGTTACGATGCCTGAGAAAACCCCAGGATACTATCTGCAGCCGGGCCAAATTCCCTGCT[C>G]TGTTGACAGTCTTTTGCCCTTTACCTTGAGCTTTGTCAGAAATGGAGTTACACTTGGAGT-3'
Protein context (NP_114141.2, residues 442-462): YYLQPGQIPC[Ser452Cys]VDSLLPFTLS